The following is an entry in ClinVar:

NM_016122.3(CEP83):c.1685G>A (p.Arg562Gln)

Gene: CEP83 (centrosomal protein 83; minus strand). Cytogenetic location: 12q22.
Variant type: single nucleotide variant.
Coding change: c.1685G>A on transcript NM_016122.3 (MANE Select); coding-DNA position 1685, G replaced by A.
Protein change: p.Arg562Gln; replaces arginine 562 with glutamine.
Molecular consequence: missense variant. On other transcripts: non-coding transcript variant (2).
Genome position (GRCh38, 1-based): chr12:94,331,722, C>T on the plus strand (G>A on the coding strand, the complement: CEP83 is on the minus strand). VCF-style: chr12-94331722-C-T. GRCh37 (hg19) VCF-style: chr12-94725498-C-T.
Other names: c.1685G>A, p.Arg562Gln (NM_001042399.2, NM_001346457.2, NM_001368037.1 and 1 more transcripts); c.1373G>A, p.Arg458Gln (NM_001346458.2, NM_001346459.2, NM_001368039.1 and 1 more transcripts); c.1460G>A, p.Arg487Gln (NM_001368041.1); short protein forms R458Q, R487Q, R562Q.
Identifiers: ClinVar variation 1524610 (VCV001524610.5), dbSNP rs182648141, ClinGen allele CA6721592.

ClinVar aggregate classification (germline): Uncertain significance (1 of 4 stars; one submission).

Conditions:
Nephronophthisis 18 (NPHP18). Identifiers: Orphanet 655, MedGen C3890591, MONDO:0014374, OMIM 615862.

Allele frequency attached by ClinVar (database versions not stated): ExAC 0.00001; gnomAD exomes 0.00001; gnomAD 0.00003; TOPMed 0.00003; 1000 Genomes Project 0.00020; 1000 Genomes Project 30x 0.00031.
gnomAD v4.1: 24 of 1,613,744 alleles (0.0015%); highest among the groups gnomAD compares: African/African-American, 0.0027%; no homozygotes.

Submission:

Labcorp Genetics (formerly Invitae), Labcorp
Classification: Uncertain significance for Nephronophthisis 18. Last evaluated: 2022-02-13. Review status: criteria provided, single submitter. Criteria: Invitae Variant Classification Sherloc (09022015). Collection method: clinical testing. Allele origin: germline.
Comment: This sequence change replaces arginine, which is basic and polar, with glutamine, which is neutral and polar, at codon 562 of the CEP83 protein (p.Arg562Gln). This variant is present in population databases (rs182648141, gnomAD 0.008%). This variant has not been reported in the literature in individuals affected with CEP83-related conditions. Algorithms developed to predict the effect of missense changes on protein structure and function are either unavailable or do not agree on the potential impact of this missense change (SIFT: "Not Available"; PolyPhen-2: "Probably Damaging"; Align-GVGD: "Not Available"). In summary, the available evidence is currently insufficient to determine the role of this variant in disease. Therefore, it has been classified as a Variant of Uncertain Significance.